The following is an entry in ClinVar:

ClinVar aggregate classification (germline): Uncertain significance (1 of 4 stars; one submission).

Conditions:
RASopathy. Also called: rasopathies; Noonan spectrum disorder. Identifiers: Orphanet 536391, MedGen C5555857, MONDO:0021060.

Submission:

Labcorp Genetics (formerly Invitae), Labcorp
Classification: Uncertain significance for RASopathy. Last evaluated: 2025-04-17. Review status: criteria provided, single submitter. Criteria: Invitae Variant Classification Sherloc (09022015). Collection method: clinical testing. Allele origin: germline.
Comment: This sequence change affects a donor splice site in intron 5 of the SOS1 gene. It is expected to disrupt RNA splicing. Variants that disrupt the donor or acceptor splice site typically lead to a loss of protein function (PMID: 16199547), however the current clinical and genetic evidence is not sufficient to establish whether loss-of-function variants in SOS1 cause disease. This variant is not present in population databases (gnomAD no frequency). This variant has not been reported in the literature in individuals affected with SOS1-related conditions. Algorithms developed to predict the effect of sequence changes on RNA splicing suggest that this variant may disrupt the consensus splice site. In summary, the available evidence is currently insufficient to determine the role of this variant in disease. Therefore, it has been classified as a Variant of Uncertain Significance.

Literature cited by the submitters: PubMed 16199547.

NM_005633.4(SOS1):c.720+2T>G

Gene: SOS1 (SOS Ras/Rac guanine nucleotide exchange factor 1; minus strand). Cytogenetic location: 2p22.1.
Variant type: single nucleotide variant.
Coding change: c.720+2T>G on transcript NM_005633.4 (MANE Select); the canonical splice donor site of the intron after coding-DNA position 720, T replaced by G.
Molecular consequence: splice donor variant.
Genome position (GRCh38, 1-based): chr2:39,054,612, A>C on the plus strand (T>G on the coding strand, the complement: SOS1 is on the minus strand). VCF-style: chr2-39054612-A-C. GRCh37 (hg19) VCF-style: chr2-39281753-A-C.
Other names: c.699+2T>G (NM_001382394.1); c.720+2T>G (NM_001382395.1).
Identifiers: ClinVar variation 4717657 (VCV004717657.1).
Genomic context (GRCh38, chr2:39,054,612, plus strand): 5'-TGAAGTGGTCATGCAAATTTCACAACACATTCAATGAGAGGCATATATACAATGATACTT[A>C]CATTAGCTGAAAACAATTTTGAATTGGAGACAAAGGGCTCTCTAAAAACTTTTATAATTA-3'